The following is an entry in ClinVar:

NM_001042492.3(NF1):c.2986_2987del (p.Val996fs)

Gene: NF1 (neurofibromin 1; plus strand). Cytogenetic location: 17q11.2.
Variant type: Deletion.
Coding change: c.2986_2987del on transcript NM_001042492.3 (MANE Select); coding-DNA positions 2986 to 2987, 2 bases deleted (GT; older notation c.2986_2987delGT).
Protein change: p.Val996fs; shifts the reading frame from valine 996.
Molecular consequence: frameshift variant.
Genome position (GRCh38, 1-based): chr17:31,229,970-31,229,971, GT deleted. VCF-style (leftmost placement, unchanged base first): chr17-31229969-GGT-G. GRCh37 (hg19) VCF-style: chr17-29556987-GGT-G.
Other names: c.2986_2987delGT, p.Val996Glnfs (NM_000267.4); short protein forms V996fs.
Identifiers: ClinVar variation 1068504 (VCV001068504.5), dbSNP rs2151430843, ClinGen allele CA2499224077.

ClinVar aggregate classification (germline): Pathogenic (1 of 4 stars; one submission).

Conditions:
Neurofibromatosis, type 1 (NF1). Also called: VON RECKLINGHAUSEN DISEASE; Peripheral type neurofibromatosis; NEUROFIBROMATOSIS, TYPE I, SOMATIC; Neurofibromatosis, type I. Identifiers: Orphanet 636, MedGen C0027831, MONDO:0018975, OMIM 162200. Disease mechanism: loss of function.

Submission:

Labcorp Genetics (formerly Invitae), Labcorp
Classification: Pathogenic for Neurofibromatosis, type 1. Last evaluated: 2020-01-23. Review status: criteria provided, single submitter. Criteria: Invitae Variant Classification Sherloc (09022015). Collection method: clinical testing. Allele origin: germline.
Comment: This sequence change creates a premature translational stop signal (p.Val996Glnfs*24) in the NF1 gene. It is expected to result in an absent or disrupted protein product. This variant is not present in population databases (ExAC no frequency). This variant has not been reported in the literature in individuals with NF1-related conditions. Algorithms developed to predict the effect of sequence changes on RNA splicing suggest that this variant may create or strengthen a splice site, but this prediction has not been confirmed by published transcriptional studies. Loss-of-function variants in NF1 are known to be pathogenic (PMID: 10712197, 23913538). For these reasons, this variant has been classified as Pathogenic.

Literature cited by the submitters: PubMed 10712197; PubMed 23913538.